The following is an entry in ClinVar:

ClinVar aggregate classification (germline): Likely benign. Review status: criteria provided, single submitter (1 of 4 stars). 2 submissions from 2 submitters: Likely benign (1). 1 of the submissions does not count toward it. Last evaluated 2023-05-11.

Conditions:
SLC27A5-related disorder. Also called: SLC27A5-related condition.

Submissions (2):

Labcorp Genetics (formerly Invitae), Labcorp
Classification: Likely benign. Last evaluated: 2023-05-11. Review status: criteria provided, single submitter. Criteria: Invitae Variant Classification Sherloc (09022015). Collection method: clinical testing. Allele origin: germline.

PreventionGenetics, part of Exact Sciences
Classification: Likely benign for SLC27A5-related condition. Last evaluated: 2023-02-17. Review status: no assertion criteria provided. Collection method: clinical testing. Allele origin: germline. Not counted in ClinVar's aggregate classification.
Comment: This variant is classified as likely benign based on ACMG/AMP sequence variant interpretation guidelines (Richards et al. 2015 PMID: 25741868, with internal and published modifications).

NM_012254.3(SLC27A5):c.1578G>C (p.Ser526=)

Genes: SLC27A5 (solute carrier family 27 member 5; minus strand), LOC130065229 (ATAC-STARR-seq lymphoblastoid active region 15205; plus strand). Cytogenetic location: 19q13.43.
Variant type: single nucleotide variant.
Coding change: c.1578G>C on transcript NM_012254.3 (MANE Select); coding-DNA position 1578, G replaced by C.
Protein change: p.Ser526=; no amino-acid change (serine 526 retained).
Molecular consequence: synonymous variant.
Genome position (GRCh38, 1-based): chr19:58,499,581, C>G on the plus strand (G>C on the coding strand, the complement: SLC27A5 is on the minus strand). VCF-style: chr19-58499581-C-G. GRCh37 (hg19) VCF-style: chr19-59010948-C-G.
Other names: c.1326G>C, p.Ser442= (NM_001321196.2); c.1578G>C (NM_012254.2).
Identifiers: ClinVar variation 2863311 (VCV002863311.5), dbSNP rs529955045, ClinGen allele CA509305624.